The following is an entry in ClinVar:

ClinVar aggregate classification (germline): Likely pathogenic (1 of 4 stars; one submission).

Submission:

Labcorp Genetics (formerly Invitae), Labcorp
Classification: Likely pathogenic. Last evaluated: 2025-08-16. Review status: criteria provided, single submitter. Criteria: Invitae Variant Classification Sherloc (09022015). Collection method: clinical testing. Allele origin: germline.
Comment: This sequence change affects a donor splice site in intron 17 of the POLR3A gene. It is expected to disrupt RNA splicing. Variants that disrupt the donor or acceptor splice site typically lead to a loss of protein function (PMID: 16199547), and loss-of-function variants in POLR3A are known to be pathogenic (PMID: 21855841, 25339210, 27612211, 30414627, 30450527). This variant is not present in population databases (gnomAD no frequency). This variant has not been reported in the literature in individuals affected with POLR3A-related conditions. Algorithms developed to predict the effect of sequence changes on RNA splicing suggest that this variant may disrupt the consensus splice site. In summary, the currently available evidence indicates that the variant is pathogenic, but additional data are needed to prove that conclusively. Therefore, this variant has been classified as Likely Pathogenic.

Literature cited by the submitters: PubMed 16199547; PubMed 21855841; PubMed 25339210; PubMed 27612211; PubMed 30414627; PubMed 30450527.

NM_007055.4(POLR3A):c.2359+1G>A

Gene: POLR3A (RNA polymerase III subunit A; minus strand). Cytogenetic location: 10q22.3.
Variant type: single nucleotide variant.
Coding change: c.2359+1G>A on transcript NM_007055.4 (MANE Select); the canonical splice donor site of the intron after coding-DNA position 2359, G replaced by A.
Molecular consequence: splice donor variant.
Genome position (GRCh38, 1-based): chr10:78,002,196, C>T on the plus strand (G>A on the coding strand, the complement: POLR3A is on the minus strand). VCF-style: chr10-78002196-C-T. GRCh37 (hg19) VCF-style: chr10-79761954-C-T.
Identifiers: ClinVar variation 4725334 (VCV004725334.1).